The following is an entry in ClinVar:

ClinVar aggregate classification (germline): Uncertain significance. Review status: criteria provided, multiple submitters, no conflicts (2 of 4 stars). 2 submissions from 2 submitters: Uncertain significance (2). Last evaluated 2024-05-24.

Conditions:
Ataxia-telangiectasia syndrome (AT). Also called: LOUIS-BAR SYNDROME; Cerebello-oculocutaneous telangiectasia; Immunodeficiency with ataxia telangiectasia; ATAXIA-TELANGIECTASIA, COMPLEMENTATION GROUP A; ATAXIA-TELANGIECTASIA, FRESNO VARIANT; Ataxia-telangiectasia. Identifiers: Orphanet 100, MedGen C0004135, MONDO:0008840, OMIM 208900.

Submissions (2):

Labcorp Genetics (formerly Invitae), Labcorp
Classification: Uncertain significance for Ataxia-telangiectasia syndrome. Last evaluated: 2024-05-24. Review status: criteria provided, single submitter. Criteria: Invitae Variant Classification Sherloc (09022015). Collection method: clinical testing. Allele origin: germline.
Comment: This sequence change replaces valine, which is neutral and non-polar, with glycine, which is neutral and non-polar, at codon 1043 of the ATM protein (p.Val1043Gly). This variant is not present in population databases (gnomAD no frequency). This variant has not been reported in the literature in individuals affected with ATM-related conditions. ClinVar contains an entry for this variant (Variation ID: 181939). An algorithm developed to predict the effect of missense changes on protein structure and function (PolyPhen-2) suggests that this variant is likely to be disruptive. In summary, the available evidence is currently insufficient to determine the role of this variant in disease. Therefore, it has been classified as a Variant of Uncertain Significance.

GeneDx
Classification: Uncertain significance. Last evaluated: 2014-02-14. Review status: criteria provided, single submitter. Criteria: GeneDx Variant Classification (06012015). Collection method: clinical testing. Allele origin: germline. Affected: yes.
Comment: This variant is denoted ATM c.3128T>G at the cDNA level, p.Val1043Gly (V1043G) at the protein level, and results in the change of a Valine to a Glycine (GTA>GGA). This variant has not, to our knowledge, been published in the literature as pathogenic or benign. ATM Val1043Gly was not observed in approximately 6,500 individuals of European and African American ancestry in the NHLBI Exome Sequencing Project, indicating it is not a common benign variant in these populations. Since Valine and Glycine share similar properties, this is considered a conservative amino acid substitution and is unlikely to affect protein integrity. ATM Val1043Gly occurs at a position that is well conserved across species and is located in the beta-adaptin interaction region (Tavtigian 2009). In silico analyses predict that this variant is unlikely to alter protein structure or function. Based on currently available information, it is unclear whether ATM Val1043Gly is pathogenic or benign. We consider it to be a variant of uncertain significance.

NM_000051.4(ATM):c.3128T>G (p.Val1043Gly)

Gene: ATM (ATM serine/threonine kinase; plus strand). Cytogenetic location: 11q22.3.
Variant type: single nucleotide variant.
Coding change: c.3128T>G on transcript NM_000051.4 (MANE Select); coding-DNA position 3128, T replaced by G.
Protein change: p.Val1043Gly; replaces valine 1043 with glycine.
Molecular consequence: missense variant.
Genome position (GRCh38, 1-based): chr11:108,272,582, T>G. VCF-style: chr11-108272582-T-G. GRCh37 (hg19) VCF-style: chr11-108143309-T-G.
Other names: p.V1043G:GTA>GGA; c.3128T>G, p.Val1043Gly (NM_001351834.2); short protein forms V1043G.
Identifiers: ClinVar variation 181939 (VCV000181939.4), dbSNP rs730881356, ClinGen allele CA298197.
Genomic context (GRCh38, chr11:108,272,582, plus strand): 5'-TTGATTTCAGGCATCTAACAAAGGAGAGGAAATATATATTCTCTGTAAGAATGGCCCTAG[T>G]AAATTGCCTTAAAACTTTGCTTGAGGTGAGTTTTTGCATTTTTTTAGTAAGATCTCCATT-3'
Protein context (NP_000042.3, residues 1033-1053): KYIFSVRMAL[Val1043Gly]NCLKTLLEAD